The following is an entry in ClinVar:

NM_174878.3(CLRN1):c.400C>T (p.Pro134Ser)

Gene: CLRN1 (clarin 1; minus strand). Cytogenetic location: 3q25.1.
Variant type: single nucleotide variant.
Coding change: c.400C>T on transcript NM_174878.3 (MANE Select); coding-DNA position 400, C replaced by T.
Protein change: p.Pro134Ser; replaces proline 134 with serine.
Molecular consequence: missense variant. On other transcripts: 3 prime UTR variant (1), non-coding transcript variant (1).
Genome position (GRCh38, 1-based): chr3:150,941,615, G>A on the plus strand (C>T on the coding strand, the complement: CLRN1 is on the minus strand). VCF-style: chr3-150941615-G-A. GRCh37 (hg19) VCF-style: chr3-150659402-G-A.
Other names: c.400C>T, p.Pro134Ser (NM_001195794.1); c.*14C>T (NM_001256819.2); c.172C>T, p.Pro58Ser (NM_052995.2); short protein forms P134S, P58S.
Identifiers: ClinVar variation 938719 (VCV000938719.8), dbSNP rs368175674, ClinGen allele CA2666072.
Genomic context (GRCh38, chr3:150,941,615, plus strand): 5'-TCTTCAGAGGTAGAATTTTGTACTTACCTGAAATGAAGCTCAAAAGGTACAGCCCTAGGG[G>A]ACCATGCAGAGTTTCAAAAGGTTTTCCAAAAGCATTGTACATGAAGAAGGCTGTCCCCAC-3'
Protein context (NP_777367.1, residues 124-144): FGKPFETLHG[Pro134Ser]LGLYLLSFIS

ClinVar aggregate classification (germline): Uncertain significance. Review status: criteria provided, multiple submitters, no conflicts (2 of 4 stars). 5 submissions from 5 submitters: Uncertain significance (4). 1 of the submissions does not count toward it. Last evaluated 2024-03-08.

Conditions:
Inborn genetic diseases. Identifiers: MedGen C0950123, MeSH D030342.
Usher syndrome type 3. Also called: Usher Syndrome, Type III. Identifiers: Orphanet 231183, MedGen C1568248, MONDO:0016485.

Allele frequency attached by ClinVar (database versions not stated): ExAC 0.00001; TOPMed 0.00006; gnomAD 0.00009 and 0.00010; ESP Exome Variant Server 0.00015.

Submissions (5):

Ambry Genetics
Classification: Uncertain significance for Inborn genetic diseases. Last evaluated: 2024-03-08. Review status: criteria provided, single submitter. Criteria: Ambry Variant Classification Scheme 2023. Collection method: clinical testing. Allele origin: germline.

Blueprint Genetics
Classification: Uncertain significance. Last evaluated: 2024-03-08. Review status: criteria provided, single submitter. Criteria: ACMG Guidelines, 2015. Collection method: clinical testing. Allele origin: germline.

Labcorp Genetics (formerly Invitae), Labcorp
Classification: Uncertain significance. Last evaluated: 2022-07-12. Review status: criteria provided, single submitter. Criteria: Invitae Variant Classification Sherloc (09022015). Collection method: clinical testing. Allele origin: germline.
Comment: This sequence change replaces proline, which is neutral and non-polar, with serine, which is neutral and polar, at codon 134 of the CLRN1 protein (p.Pro134Ser). This variant is present in population databases (rs368175674, gnomAD 0.02%). This variant has not been reported in the literature in individuals affected with CLRN1-related conditions. ClinVar contains an entry for this variant (Variation ID: 938719). Algorithms developed to predict the effect of missense changes on protein structure and function are either unavailable or do not agree on the potential impact of this missense change (SIFT: "Deleterious"; PolyPhen-2: "Probably Damaging"; Align-GVGD: "Class C0"). In summary, the available evidence is currently insufficient to determine the role of this variant in disease. Therefore, it has been classified as a Variant of Uncertain Significance.

GeneDx
Classification: Uncertain significance. Last evaluated: 2022-04-22. Review status: criteria provided, single submitter. Criteria: GeneDx Variant Classification Process June 2021. Collection method: clinical testing. Allele origin: germline. Affected: yes.
Comment: In silico analysis supports that this missense variant has a deleterious effect on protein structure/function; Has not been previously published as pathogenic or benign to our knowledge

Natera, Inc.
Classification: Uncertain significance for Usher syndrome type 3. Last evaluated: 2020-09-17. Review status: no assertion criteria provided. Collection method: clinical testing. Allele origin: germline. Not counted in ClinVar's aggregate classification.